The following is an entry in ClinVar:

ClinVar aggregate classification (germline): Uncertain significance (1 of 4 stars; one submission).

Conditions:
RECQL5-related disorder. Also called: RECQL5-related condition.

Submission:

PreventionGenetics, part of Exact Sciences
Classification: Uncertain significance for RECQL5-related condition. Last evaluated: 2023-06-28. Review status: criteria provided, single submitter. Criteria: ACMG Guidelines, 2015. Collection method: clinical testing. Allele origin: germline.
Comment: The RECQL5 c.1735A>G variant is predicted to result in the amino acid substitution p.Lys579Glu. To our knowledge, this variant has not been reported in the literature or in a large population database, indicating this variant is rare. At this time, the clinical significance of this variant is uncertain due to the absence of conclusive functional and genetic evidence.

NM_004259.7(RECQL5):c.1735A>G (p.Lys579Glu)

Gene: RECQL5 (RecQ like helicase 5; minus strand). Cytogenetic location: 17q25.1.
Variant type: single nucleotide variant.
Coding change: c.1735A>G on transcript NM_004259.7 (MANE Select); coding-DNA position 1735, A replaced by G.
Protein change: p.Lys579Glu; replaces lysine 579 with glutamic acid.
Molecular consequence: missense variant.
Genome position (GRCh38, 1-based): chr17:75,630,261, T>C on the plus strand (A>G on the coding strand, the complement: RECQL5 is on the minus strand). VCF-style: chr17-75630261-T-C. GRCh37 (hg19) VCF-style: chr17-73626341-T-C.
Other names: short protein forms K579E.
Identifiers: ClinVar variation 2632459 (VCV002632459.1), dbSNP rs2545518745, ClinGen allele CA401061165.